The following is an entry in ClinVar:

ClinVar aggregate classification (germline): Uncertain significance (1 of 4 stars; one submission).

Conditions:
Hyper-IgE recurrent infection syndrome 1, autosomal dominant. Also called: Job's Syndrome; Hyper-IgE recurrent infection syndrome 1; HYPER-IgE SYNDROME 1, AUTOSOMAL DOMINANT, WITH RECURRENT INFECTIONS; JOB SYNDROME; STAT3 Hyper IgE Syndrome. Identifiers: Orphanet 2314, MedGen C2936739, MONDO:0007818, OMIM 147060.
STAT3 gain of function. Identifiers: MedGen C4288261.

Submission:

Labcorp Genetics (formerly Invitae), Labcorp
Classification: Uncertain significance for STAT3 gain of function; Hyper-IgE recurrent infection syndrome 1, autosomal dominant. Last evaluated: 2018-01-09. Review status: criteria provided, single submitter. Criteria: Invitae Variant Classification Sherloc (09022015). Collection method: clinical testing. Allele origin: germline.
Comment: In summary, the available evidence is currently insufficient to determine the role of this variant in disease. Therefore, it has been classified as a Variant of Uncertain Significance. Algorithms developed to predict the effect of missense changes on protein structure and function do not agree on the potential impact of this missense change (SIFT: "Tolerated"; PolyPhen-2: "Probably Damaging"; Align-GVGD: "Class C0"). This variant has not been reported in the literature in individuals with STAT3-related disease. This variant is not present in population databases (ExAC no frequency). This sequence change replaces serine with proline at codon 636 of the STAT3 protein (p.Ser636Pro). The serine residue is highly conserved and there is a moderate physicochemical difference between serine and proline. Other missense substitutions at this codon (p.Ser636Phe and p.Ser636Tyr) have been reported in individuals affected with hyper IgE syndrome (PMID: 18602572, 20159255).

Literature cited by the submitters: PubMed 18602572; PubMed 20159255.

NM_139276.3(STAT3):c.1906T>C (p.Ser636Pro)

Gene: STAT3 (signal transducer and activator of transcription 3; minus strand). Cytogenetic location: 17q21.2.
Variant type: single nucleotide variant.
Coding change: c.1906T>C on transcript NM_139276.3 (MANE Select); coding-DNA position 1906, T replaced by C.
Protein change: p.Ser636Pro; replaces serine 636 with proline.
Molecular consequence: missense variant.
Genome position (GRCh38, 1-based): chr17:42,322,477, A>G on the plus strand (T>C on the coding strand, the complement: STAT3 is on the minus strand). VCF-style: chr17-42322477-A-G. GRCh37 (hg19) VCF-style: chr17-40474495-A-G.
Other names: c.1822T>C, p.Ser608Pro (NM_001384984.1); c.1828T>C, p.Ser610Pro (NM_001384985.1); c.1921T>C, p.Ser641Pro (NM_001384986.1, NM_001384990.1); c.1885T>C, p.Ser629Pro (NM_001384987.1); c.1906T>C, p.Ser636Pro (NM_001384988.1, NM_001369512.1, NM_001369513.1 and 9 more transcripts); c.1810T>C, p.Ser604Pro (NM_001384989.1); c.1879T>C, p.Ser627Pro (NM_001384991.1); c.1846T>C, p.Ser616Pro (NM_001384992.1); short protein forms S636P, S604P, S608P, S610P, S616P, S627P, S629P, S641P.
Identifiers: ClinVar variation 582348 (VCV000582348.9), dbSNP rs1567707544, ClinGen allele CA399582508.
Genomic context (GRCh38, chr17:42,322,477, plus strand): 5'-CCATGATGATTTCAGCAAATGACATGTTGTTCAGCTGCTGCTTTGTGTATGGTTCCACGG[A>G]CTGGATCTGGGTCTTACCTGTCACAGGACATGGGAAGGAAAGATCATGGAACCTACAGCT-3'
Protein context (NP_644805.1, residues 626-646): KDISGKTQIQ[Ser636Pro]VEPYTKQQLN